The following is an entry in ClinVar:

NM_152281.3(GORAB):c.782T>A (p.Leu261His)

Gene: GORAB (golgin, RAB6 interacting; plus strand). Cytogenetic location: 1q24.2.
Variant type: single nucleotide variant.
Coding change: c.782T>A on transcript NM_152281.3 (MANE Select); coding-DNA position 782, T replaced by A.
Protein change: p.Leu261His; replaces leucine 261 with histidine.
Molecular consequence: missense variant. On other transcripts: non-coding transcript variant (1).
Genome position (GRCh38, 1-based): chr1:170,552,134, T>A. VCF-style: chr1-170552134-T-A. GRCh37 (hg19) VCF-style: chr1-170521275-T-A.
Other names: c.317T>A, p.Leu106His (NM_001320252.2); c.857T>A (NM_152281.2); short protein forms L106H, L261H.
Identifiers: ClinVar variation 493056 (VCV000493056.48), dbSNP rs773952908, ClinGen allele CA1239239.

ClinVar aggregate classification (germline): Uncertain significance. Review status: criteria provided, multiple submitters, no conflicts (2 of 4 stars). 3 submissions from 3 submitters: Uncertain significance (3). Last evaluated 2025-01-27.

Conditions:
Geroderma osteodysplastica (GO). Also called: WALT DISNEY DWARFISM; Geroderma osteodysplasticum. Identifiers: Orphanet 2078, MedGen C0432255, MONDO:0009271, OMIM 231070.

Allele frequency attached by ClinVar (database versions not stated): gnomAD exomes 0.00006 and 0.00005; ExAC 0.00008; gnomAD 0.00003; TOPMed 0.00003.
gnomAD v4.1: 80 of 1,613,884 alleles (0.005%); highest among the groups gnomAD compares: Middle Eastern, 0.033%; no homozygotes.

Submissions (3):

Labcorp Genetics (formerly Invitae), Labcorp
Classification: Uncertain significance. Last evaluated: 2025-01-27. Review status: criteria provided, single submitter. Criteria: Invitae Variant Classification Sherloc (09022015). Collection method: clinical testing. Allele origin: germline.
Comment: This sequence change replaces leucine, which is neutral and non-polar, with histidine, which is basic and polar, at codon 286 of the GORAB protein (p.Leu286His). This variant is present in population databases (rs773952908, gnomAD 0.01%). This variant has not been reported in the literature in individuals affected with GORAB-related conditions. ClinVar contains an entry for this variant (Variation ID: 493056). Invitae Evidence Modeling of protein sequence and biophysical properties (such as structural, functional, and spatial information, amino acid conservation, physicochemical variation, residue mobility, and thermodynamic stability) indicates that this missense variant is expected to disrupt GORAB protein function with a positive predictive value of 80%. In summary, the available evidence is currently insufficient to determine the role of this variant in disease. Therefore, it has been classified as a Variant of Uncertain Significance.

Genome-Nilou Lab
Classification: Uncertain significance for Geroderma osteodysplastica. Last evaluated: 2023-04-11. Review status: criteria provided, single submitter. Criteria: ACMG Guidelines, 2015. Collection method: clinical testing. Allele origin: germline. Affected: no.

CeGaT Center for Human Genetics Tuebingen
Classification: Uncertain significance. Last evaluated: 2017-10-01. Review status: criteria provided, single submitter. Criteria: CeGaT Center For Human Genetics Tuebingen Variant Classification Criteria Version 2. Collection method: clinical testing. Allele origin: germline. Affected: yes. Observed: 1 variant allele.